The following is an entry in ClinVar:

NM_001903.5(CTNNA1):c.2051T>C (p.Ile684Thr)

Gene: CTNNA1 (catenin alpha 1; plus strand). Cytogenetic location: 5q31.2.
Variant type: single nucleotide variant.
Coding change: c.2051T>C on transcript NM_001903.5 (MANE Select); coding-DNA position 2051, T replaced by C.
Protein change: p.Ile684Thr; replaces isoleucine 684 with threonine.
Molecular consequence: missense variant.
Genome position (GRCh38, 1-based): chr5:138,930,513, T>C. VCF-style: chr5-138930513-T-C. GRCh37 (hg19) VCF-style: chr5-138266202-T-C.
Other names: c.941T>C, p.Ile314Thr (NM_001324000.1, NM_001324001.1, NM_001324002.1 and 17 more transcripts); c.602T>C, p.Ile201Thr (NM_001324006.1, NM_001324007.1, NM_001324008.1 and 2 more transcripts); c.2051T>C, p.Ile684Thr (NM_001290307.3, NM_001323982.2, NM_001323983.1 and 2 more transcripts); c.1742T>C, p.Ile581Thr (NM_001290309.3); c.1682T>C, p.Ile561Thr (NM_001290310.3); c.1958T>C, p.Ile653Thr (NM_001323986.2); c.848T>C, p.Ile283Thr (NM_001324011.1); c.698T>C, p.Ile233Thr (NM_001324012.1, NM_001324013.1); short protein forms I201T, I283T, I684T, I233T, I314T, I561T, I581T, I653T.
Identifiers: ClinVar variation 1394028 (VCV001394028.6), dbSNP rs2150334109, ClinGen allele CA361133386.

ClinVar aggregate classification (germline): Uncertain significance (1 of 4 stars; one submission).

Submission:

Labcorp Genetics (formerly Invitae), Labcorp
Classification: Uncertain significance. Last evaluated: 2021-11-19. Review status: criteria provided, single submitter. Criteria: Invitae Variant Classification Sherloc (09022015). Collection method: clinical testing. Allele origin: germline.
Comment: Algorithms developed to predict the effect of missense changes on protein structure and function are either unavailable or do not agree on the potential impact of this missense change (SIFT: "Deleterious"; PolyPhen-2: "Probably Damaging"; Align-GVGD: "Class C0"). This variant has not been reported in the literature in individuals affected with CTNNA1-related conditions. This variant is not present in population databases (gnomAD no frequency). This sequence change replaces isoleucine, which is neutral and non-polar, with threonine, which is neutral and polar, at codon 684 of the CTNNA1 protein (p.Ile684Thr). In summary, the available evidence is currently insufficient to determine the role of this variant in disease. Therefore, it has been classified as a Variant of Uncertain Significance.